The following is an entry in ClinVar:

ClinVar aggregate classification (germline): Uncertain significance. Review status: criteria provided, multiple submitters, no conflicts (2 of 4 stars). 2 submissions from 2 submitters: Uncertain significance (2). Last evaluated 2021-09-17.

Conditions:
Bardet-Biedl syndrome (BBS). Identifiers: Orphanet 110, MedGen C0752166, MONDO:0015229.
Bardet-Biedl syndrome 9 (BBS9). Identifiers: Orphanet 110, MedGen C1859567, MONDO:0014437, OMIM 615986.

Allele frequency attached by ClinVar (database versions not stated): gnomAD exomes below 0.00001.
gnomAD v4.1: 2 of 1,614,184 alleles (0.00012%); highest among the groups gnomAD compares: Non-Finnish European, 0.00017%; no homozygotes.

Submissions (2):

Fulgent Genetics
Classification: Uncertain significance for Bardet-Biedl syndrome 9. Last evaluated: 2021-09-17. Review status: criteria provided, single submitter. Criteria: ACMG Guidelines, 2015. Collection method: clinical testing. Allele origin: unknown.

Labcorp Genetics (formerly Invitae), Labcorp
Classification: Uncertain significance for Bardet-Biedl syndrome. Last evaluated: 2021-08-23. Review status: criteria provided, single submitter. Criteria: Invitae Variant Classification Sherloc (09022015). Collection method: clinical testing. Allele origin: germline.
Comment: This sequence change replaces histidine with tyrosine at codon 694 of the BBS9 protein (p.His694Tyr). The histidine residue is highly conserved and there is a moderate physicochemical difference between histidine and tyrosine. This variant has not been reported in the literature in individuals affected with BBS9-related conditions. Algorithms developed to predict the effect of missense changes on protein structure and function are either unavailable or do not agree on the potential impact of this missense change (SIFT: "Deleterious"; PolyPhen-2: "Benign"; Align-GVGD: "Class C0"). In summary, the available evidence is currently insufficient to determine the role of this variant in disease. Therefore, it has been classified as a Variant of Uncertain Significance. This variant is not present in population databases (ExAC no frequency).

NM_198428.3(BBS9):c.2080C>T (p.His694Tyr)

Gene: BBS9 (Bardet-Biedl syndrome 9; plus strand). Cytogenetic location: 7p14.3.
Variant type: single nucleotide variant.
Coding change: c.2080C>T on transcript NM_198428.3 (MANE Select); coding-DNA position 2080, C replaced by T.
Protein change: p.His694Tyr; replaces histidine 694 with tyrosine.
Molecular consequence: missense variant. On other transcripts: non-coding transcript variant (3).
Genome position (GRCh38, 1-based): chr7:33,388,109, C>T. VCF-style: chr7-33388109-C-T. GRCh37 (hg19) VCF-style: chr7-33427721-C-T.
Other names: c.1975C>T, p.His659Tyr (NM_001033604.2); c.2065C>T, p.His689Tyr (NM_001033605.2); c.2080C>T, p.His694Tyr (NM_001348036.1, NM_001348041.4, NM_001348043.3 and 1 more transcripts); c.1714C>T, p.His572Tyr (NM_001348037.3, NM_001348045.3, NM_001348046.3); c.1807C>T, p.His603Tyr (NM_001348038.3); c.1702C>T, p.His568Tyr (NM_001348039.3); c.1960C>T, p.His654Tyr (NM_001348040.3, NM_014451.4); c.1945C>T, p.His649Tyr (NM_001348042.3); and 1 more; short protein forms H568Y, H654Y, H572Y, H603Y, H689Y, H537Y, H659Y, H649Y.
Identifiers: ClinVar variation 1398187 (VCV001398187.7), dbSNP rs2128756856, ClinGen allele CA367254066.